The following is an entry in ClinVar:

NM_014491.4(FOXP2):c.546G>A (p.Gln182=)

Gene: FOXP2 (forkhead box P2; plus strand). Cytogenetic location: 7q31.1.
Variant type: single nucleotide variant.
Coding change: c.546G>A on transcript NM_014491.4 (MANE Select); coding-DNA position 546, G replaced by A.
Protein change: p.Gln182=; no amino-acid change (glutamine 182 retained).
Molecular consequence: synonymous variant. On other transcripts: non-coding transcript variant (2).
Genome position (GRCh38, 1-based): chr7:114,629,954, G>A. VCF-style: chr7-114629954-G-A. GRCh37 (hg19) VCF-style: chr7-114270009-G-A.
Other names: c.546G>A, p.Gln182= (NM_001172766.3, NM_148899.3); c.621G>A, p.Gln207= (NM_001172767.2, NM_148898.4); c.597G>A, p.Gln199= (NM_148900.4).
Identifiers: ClinVar variation 3771252 (VCV003771252.13).
Genomic context (GRCh38, chr7:114,629,954, plus strand): 5'-ACAGCAGCAACAACAGCAGCAGCAACAACAACAACAACAGCAGCAACAACAGCAGCAGCA[G>A]CAGCAACAGCAGCAGCAGCAGCAACAGCATCCTGGAAAGCAAGCGAAAGAGGTAGGATCC-3'
Protein context (NP_055306.1, residues 172-192): QQQQQQQQQQ[Gln182=]QQQQQQQQQH

ClinVar aggregate classification (germline): Likely benign (1 of 4 stars; one submission).

Submission:

CeGaT Center for Human Genetics Tuebingen
Classification: Likely benign. Last evaluated: 2025-05-01. Review status: criteria provided, single submitter. Criteria: CeGaT Center For Human Genetics Tuebingen Variant Classification Criteria Version 2. Collection method: clinical testing. Allele origin: germline. Affected: yes. Observed: 2 variant alleles.
Comment: FOXP2: PM2:Supporting, BP4, BP7